The following is an entry in ClinVar:

ClinVar aggregate classification (germline): Pathogenic (1 of 4 stars; one submission).

Conditions:
Cardiovascular phenotype. Identifiers: MedGen CN230736.
Hereditary cancer-predisposing syndrome. Also called: Hereditary neoplastic syndrome; Neoplastic Syndromes, Hereditary; Tumor predisposition; Hereditary Cancer Syndrome. Identifiers: Orphanet 140162, MedGen C0027672, MeSH D009386, MONDO:0015356.

Submission:

Ambry Genetics
Classification: Pathogenic for Cardiovascular phenotype; Hereditary cancer-predisposing syndrome. Last evaluated: 2025-06-25. Review status: criteria provided, single submitter. Criteria: Ambry Variant Classification Scheme 2023. Collection method: clinical testing. Allele origin: germline.
Comment: The c.7323dupT pathogenic mutation, located in coding exon 49 of the NF1 gene, results from a duplication of T at nucleotide position 7323, causing a translational frameshift with a predicted alternate stop codon (p.L2442Sfs*3). This variant is considered to be rare based on population cohorts in the Genome Aggregation Database (gnomAD). This alteration is expected to result in loss of function by premature protein truncation or nonsense-mediated mRNA decay. As such, this alteration is interpreted as a disease-causing mutation.

NM_001042492.3(NF1):c.7386dup (p.Leu2463fs)

Gene: NF1 (neurofibromin 1; plus strand). Cytogenetic location: 17q11.2.
Variant type: Duplication.
Coding change: c.7386dup on transcript NM_001042492.3 (MANE Select); coding-DNA position 7386, one base duplicated (T; older notation c.7386dupT).
Protein change: p.Leu2463fs; shifts the reading frame from leucine 2463.
Molecular consequence: frameshift variant.
Genome position (GRCh38, 1-based): chr17:31,350,247, T duplicated; the last of 2 consecutive T bases (chr17:31,350,246-31,350,247); duplicating either gives the same sequence. VCF-style (leftmost placement, unchanged base first): chr17-31350245-C-CT. GRCh37 (hg19) VCF-style: chr17-29677263-C-CT.
Other names: c.7323dupT (NM_000267.3); c.7323dup, p.Leu2442fs (NM_000267.4); short protein forms L2463fs, L2442fs.
Identifiers: ClinVar variation 4119056 (VCV004119056.1).